The following is an entry in ClinVar:

NM_007192.4(SUPT16H):c.2553C>T (p.His851=)

Gene: SUPT16H (SPT16 homolog, facilitates chromatin remodeling subunit; minus strand). Cytogenetic location: 14q11.2.
Variant type: single nucleotide variant.
Coding change: c.2553C>T on transcript NM_007192.4 (MANE Select); coding-DNA position 2553, C replaced by T.
Protein change: p.His851=; no amino-acid change (histidine 851 retained).
Molecular consequence: synonymous variant.
Genome position (GRCh38, 1-based): chr14:21,357,304, G>A on the plus strand (C>T on the coding strand, the complement: SUPT16H is on the minus strand). VCF-style: chr14-21357304-G-A. GRCh37 (hg19) VCF-style: chr14-21825463-G-A.
Identifiers: ClinVar variation 3048066 (VCV003048066.8), dbSNP rs146595503, ClinGen allele CA7089793.
Genomic context (GRCh38, chr14:21,357,304, plus strand): 5'-GATCATGGTCACTTTCTTGCTGTAGTCCTTGTAGACGATTACCATATCAAAGTTCTTCAG[G>A]TGAAACTGGACCCGCTCAAAGTGGATCAGCTCTACCTCATCCAATGTCACCACAAAAGGT-3'
Protein context (NP_009123.1, residues 841-861): ELIHFERVQF[His851=]LKNFDMVIVY

ClinVar aggregate classification (germline): Likely benign. Review status: criteria provided, single submitter (1 of 4 stars). 2 submissions from 2 submitters: Likely benign (1). 1 of the submissions does not count toward it. Last evaluated 2025-11-01.

Conditions:
SUPT16H-related disorder. Also called: SUPT16H-related condition.

Allele frequency attached by ClinVar (database versions not stated): gnomAD exomes 0.00018; ExAC 0.00048; ESP Exome Variant Server 0.00138; gnomAD 0.00153; TOPMed 0.00176; 1000 Genomes Project 30x 0.00187; 1000 Genomes Project 0.00200.
gnomAD v4.1: 508 of 1,613,072 alleles (0.031%); highest among the groups gnomAD compares: African/African-American, 0.52%; 1 homozygote.

Submissions (2):

CeGaT Center for Human Genetics Tuebingen
Classification: Likely benign. Last evaluated: 2025-11-01. Review status: criteria provided, single submitter. Criteria: CeGaT Center For Human Genetics Tuebingen Variant Classification Criteria Version 2. Collection method: clinical testing. Allele origin: germline. Affected: yes. Observed: 1 variant allele.
Comment: SUPT16H: BP4, BP7

PreventionGenetics, part of Exact Sciences
Classification: Likely benign for SUPT16H-related condition. Last evaluated: 2019-12-03. Review status: no assertion criteria provided. Collection method: clinical testing. Allele origin: germline. Not counted in ClinVar's aggregate classification.
Comment: This variant is classified as likely benign based on ACMG/AMP sequence variant interpretation guidelines (Richards et al. 2015 PMID: 25741868, with internal and published modifications).